The following is an entry in ClinVar:

ClinVar aggregate classification (germline): Uncertain significance (1 of 4 stars; one submission).

Conditions:
Familial adenomatous polyposis 1 (FAP1). Also called: FAMILIAL ADENOMATOUS POLYPOSIS 1, ATTENUATED; POLYPOSIS, ADENOMATOUS INTESTINAL. Identifiers: MedGen C2713442, MONDO:0021056, OMIM 175100. Disease mechanism: loss of function.

gnomAD v4.1: 5 of 1,370,620 alleles (0.00036%); highest among the groups gnomAD compares: Non-Finnish European, 0.00048%; no homozygotes.

Submission:

Labcorp Genetics (formerly Invitae), Labcorp
Classification: Uncertain significance for Familial adenomatous polyposis 1. Last evaluated: 2025-11-10. Review status: criteria provided, single submitter. Criteria: Invitae Variant Classification Sherloc (09022015). Collection method: clinical testing. Allele origin: germline.
Comment: This variant occurs in a non-coding region of the APC gene. It does not change the encoded amino acid sequence of the APC protein. This variant is not present in population databases (gnomAD no frequency). This variant has not been reported in the literature in individuals affected with APC-related conditions. Experimental studies and prediction algorithms are not available or were not evaluated, and the functional significance of this variant is currently unknown. In summary, the available evidence is currently insufficient to determine the role of this variant in disease. Therefore, it has been classified as a Variant of Uncertain Significance.

NM_001127511.3(APC):c.102C>T (p.Val34=)

Gene: APC (APC regulator of Wnt signaling pathway; plus strand). Cytogenetic location: 5q22.2.
Variant type: single nucleotide variant.
Coding change: c.102C>T on transcript NM_001127511.3; coding-DNA position 102, C replaced by T.
Protein change: p.Val34=; no amino-acid change (valine 34 retained).
Molecular consequence: synonymous variant. On other transcripts: 5 prime UTR variant (8), non-coding transcript variant (1), intron variant (5).
Genome position (GRCh38, 1-based): chr5:112,707,819, C>T. VCF-style: chr5-112707819-C-T. GRCh37 (hg19) VCF-style: chr5-112043516-C-T.
Other names: c.-82C>T (NM_001354895.2, NM_001407447.1, NM_001407452.1 and 3 more transcripts); c.102C>T, p.Val34= (NM_001354897.2, NM_001354902.2, NM_001407446.1); c.-1117C>T (NM_001407470.1, NM_001407472.1); c.-19+170C>T (NM_001407448.1, NM_001407450.1, NM_001407457.1 and 1 more transcripts); c.-43+170C>T (NM_001407453.1).
Identifiers: ClinVar variation 1008085 (VCV001008085.7), dbSNP rs763659488, ClinGen allele CA1573442753.